The following is an entry in ClinVar:

ClinVar aggregate classification (germline): Uncertain significance. Review status: criteria provided, multiple submitters, no conflicts (2 of 4 stars). 2 submissions from 2 submitters: Uncertain significance (2). Last evaluated 2026-04-01.

Conditions:
Inborn genetic diseases. Identifiers: MedGen C0950123, MeSH D030342.

gnomAD v4.1: 1 of 1,614,100 alleles (0.000062%); highest among the groups gnomAD compares: Middle Eastern, 0.016%; no homozygotes.

Submissions (2):

CeGaT Center for Human Genetics Tuebingen
Classification: Uncertain significance. Last evaluated: 2026-04-01. Review status: criteria provided, single submitter. Criteria: CeGaT Center For Human Genetics Tuebingen Variant Classification Criteria Version 2. Collection method: clinical testing. Allele origin: germline. Affected: yes. Observed: 1 variant allele.
Comment: KMT2C: PM2, BP4

Ambry Genetics
Classification: Uncertain significance for Inborn genetic diseases. Last evaluated: 2024-10-04. Review status: criteria provided, single submitter. Criteria: Ambry Variant Classification Scheme 2023. Collection method: clinical testing. Allele origin: germline.

NM_170606.3(KMT2C):c.8738G>A (p.Gly2913Glu)

Gene: KMT2C (lysine methyltransferase 2C; minus strand). Cytogenetic location: 7q36.1.
Variant type: single nucleotide variant.
Coding change: c.8738G>A on transcript NM_170606.3 (MANE Select); coding-DNA position 8738, G replaced by A.
Protein change: p.Gly2913Glu; replaces glycine 2913 with glutamic acid.
Molecular consequence: missense variant.
Genome position (GRCh38, 1-based): chr7:152,176,715, C>T on the plus strand (G>A on the coding strand, the complement: KMT2C is on the minus strand). VCF-style: chr7-152176715-C-T. GRCh37 (hg19) VCF-style: chr7-151873800-C-T.
Other names: short protein forms G2913E.
Identifiers: ClinVar variation 3535507 (VCV003535507.3).